The following is an entry in ClinVar:

NM_001042492.3(NF1):c.2505G>C (p.Gln835His)

Gene: NF1 (neurofibromin 1; plus strand). Cytogenetic location: 17q11.2.
Variant type: single nucleotide variant.
Coding change: c.2505G>C on transcript NM_001042492.3 (MANE Select); coding-DNA position 2505, G replaced by C.
Protein change: p.Gln835His; replaces glutamine 835 with histidine.
Molecular consequence: missense variant.
Genome position (GRCh38, 1-based): chr17:31,229,120, G>C. VCF-style: chr17-31229120-G-C. GRCh37 (hg19) VCF-style: chr17-29556138-G-C.
Other names: c.2505G>C, p.Gln835His (NM_000267.4); short protein forms Q835H.
Identifiers: ClinVar variation 3371931 (VCV003371931.1).

ClinVar aggregate classification (germline): Uncertain significance (1 of 4 stars; one submission).

Submission:

GeneDx
Classification: Uncertain significance. Last evaluated: 2024-04-04. Review status: criteria provided, single submitter. Criteria: GeneDx Variant Classification Process June 2021. Collection method: clinical testing. Allele origin: germline. Affected: yes.
Comment: Not observed at significant frequency in large population cohorts (gnomAD); In silico analysis indicates that this missense variant does not alter protein structure/function; Has not been previously published as pathogenic or benign to our knowledge; This variant is associated with the following publications: (PMID: 25486365)